The following is an entry in ClinVar:

NM_000064.4(C3):c.3400C>T (p.Arg1134Trp)

Gene: C3 (complement C3; minus strand). Cytogenetic location: 19p13.3.
Variant type: single nucleotide variant.
Coding change: c.3400C>T on transcript NM_000064.4 (MANE Select); coding-DNA position 3400, C replaced by T.
Protein change: p.Arg1134Trp; replaces arginine 1134 with tryptophan.
Molecular consequence: missense variant.
Genome position (GRCh38, 1-based): chr19:6,690,718, G>A on the plus strand (C>T on the coding strand, the complement: C3 is on the minus strand). VCF-style: chr19-6690718-G-A. GRCh37 (hg19) VCF-style: chr19-6690729-G-A.
Other names: short protein forms R1134W.
Identifiers: ClinVar variation 1362333 (VCV001362333.9), dbSNP rs138900723, ClinGen allele CA9128742.

ClinVar aggregate classification (germline): Uncertain significance. Review status: criteria provided, multiple submitters, no conflicts (2 of 4 stars). 3 submissions from 3 submitters: Uncertain significance (3). Last evaluated 2025-10-21.

Conditions:
Age related macular degeneration 9. Identifiers: MedGen C1969651, MONDO:0012659, OMIM 611378.
Complement component 3 deficiency. Identifiers: Orphanet 280133, MedGen C3151071, MONDO:0013417, OMIM 613779.
Atypical hemolytic-uremic syndrome with C3 anomaly. Also called: AHUS, SUSCEPTIBILITY TO, 5. Identifiers: Orphanet 2134, MedGen C2752037, MONDO:0013043, OMIM 612925.

Allele frequency attached by ClinVar (database versions not stated): gnomAD 0.00001; TOPMed 0.00002; ExAC 0.00003; gnomAD exomes 0.00005 and 0.00006; ESP Exome Variant Server 0.00008; 1000 Genomes Project 30x 0.00016; 1000 Genomes Project 0.00020.

Submissions (3):

Labcorp Genetics (formerly Invitae), Labcorp
Classification: Uncertain significance. Last evaluated: 2025-10-21. Review status: criteria provided, single submitter. Criteria: Invitae Variant Classification Sherloc (09022015). Collection method: clinical testing. Allele origin: germline.
Comment: This sequence change replaces arginine, which is basic and polar, with tryptophan, which is neutral and slightly polar, at codon 1134 of the C3 protein (p.Arg1134Trp). This variant is present in population databases (rs138900723, gnomAD 0.01%). This variant has not been reported in the literature in individuals affected with C3-related conditions. ClinVar contains an entry for this variant (Variation ID: 1362333). Invitae Evidence Modeling of protein sequence and biophysical properties (such as structural, functional, and spatial information, amino acid conservation, physicochemical variation, residue mobility, and thermodynamic stability) indicates that this missense variant is not expected to disrupt C3 protein function with a negative predictive value of 80%. In summary, the available evidence is currently insufficient to determine the role of this variant in disease. Therefore, it has been classified as a Variant of Uncertain Significance.

Fulgent Genetics
Classification: Uncertain significance for Age related macular degeneration 9; Atypical hemolytic-uremic syndrome with C3 anomaly; Complement component 3 deficiency. Last evaluated: 2024-02-07. Review status: criteria provided, single submitter. Criteria: ACMG Guidelines, 2015. Collection method: clinical testing. Allele origin: germline.

Blueprint Genetics
Classification: Uncertain significance. Last evaluated: 2023-07-03. Review status: criteria provided, single submitter. Criteria: ACMG Guidelines, 2015. Collection method: clinical testing. Allele origin: germline.